The following is an entry in ClinVar:

NC_000007.14:g.24744749C>T

Gene: GSDME (gasdermin E; minus strand). Cytogenetic location: 7p15.3.
Variant type: single nucleotide variant.
Molecular consequence: missense variant (on NM_001127453.2). On other transcripts: 5 prime UTR variant (1).
Genome position: GRCh38 VCF-style: chr7-24744749-C-T. GRCh37 (hg19) VCF-style: chr7-24784368-C-T.
Other names: c.217G>A, p.Val73Met (NM_001127453.2, NM_004403.3); c.-276G>A (NM_001127454.2); short protein forms V73M.
Identifiers: ClinVar variation 281646 (VCV000281646.8), dbSNP rs768736799, ClinGen allele CA4191795.

ClinVar aggregate classification (germline): Uncertain significance. Review status: criteria provided, multiple submitters, no conflicts (2 of 4 stars). 2 submissions from 2 submitters: Uncertain significance (2). Last evaluated 2023-04-24.

Allele frequency attached by ClinVar (database versions not stated): TOPMed 0.00001; ExAC 0.00001; gnomAD 0.00001.
gnomAD v4.1: 16 of 1,613,868 alleles (0.00099%); highest among the groups gnomAD compares: South Asian, 0.0099%; 1 homozygote.

Submissions (2):

Labcorp Genetics (formerly Invitae), Labcorp
Classification: Uncertain significance. Last evaluated: 2023-04-24. Review status: criteria provided, single submitter. Criteria: Invitae Variant Classification Sherloc (09022015). Collection method: clinical testing. Allele origin: germline.
Comment: In summary, the available evidence is currently insufficient to determine the role of this variant in disease. Therefore, it has been classified as a Variant of Uncertain Significance. Advanced modeling of protein sequence and biophysical properties (such as structural, functional, and spatial information, amino acid conservation, physicochemical variation, residue mobility, and thermodynamic stability) performed at Invitae indicates that this missense variant is not expected to disrupt DFNA5 protein function. ClinVar contains an entry for this variant (Variation ID: 281646). This variant has not been reported in the literature in individuals affected with DFNA5-related conditions. This variant is present in population databases (rs768736799, gnomAD 0.01%). This sequence change replaces valine, which is neutral and non-polar, with methionine, which is neutral and non-polar, at codon 73 of the DFNA5 protein (p.Val73Met).

Eurofins Ntd Llc (ga)
Classification: Uncertain significance. Last evaluated: 2015-07-08. Review status: criteria provided, single submitter. Criteria: EGL Classification Definitions 2015. Collection method: clinical testing. Allele origin: germline. Observed: 1 variant allele, 1 heterozygote.